The following is an entry in ClinVar:

NM_145038.5(DRC1):c.1082A>C (p.Gln361Pro)

Gene: DRC1 (dynein regulatory complex subunit 1; plus strand). Cytogenetic location: 2p23.3.
Variant type: single nucleotide variant.
Coding change: c.1082A>C on transcript NM_145038.5 (MANE Select); coding-DNA position 1082, A replaced by C.
Protein change: p.Gln361Pro; replaces glutamine 361 with proline.
Molecular consequence: missense variant.
Genome position (GRCh38, 1-based): chr2:26,444,275, A>C. VCF-style: chr2-26444275-A-C. GRCh37 (hg19) VCF-style: chr2-26667143-A-C.
Other names: short protein forms Q361P.
Identifiers: ClinVar variation 659697 (VCV000659697.6), dbSNP rs970137380, ClinGen allele CA44399363.

ClinVar aggregate classification (germline): Uncertain significance (1 of 4 stars; one submission).

Conditions:
Primary ciliary dyskinesia. Also called: Ciliary dyskinesia. Identifiers: Orphanet 244, MedGen C0008780, MONDO:0016575, HP:0012265.

Allele frequency attached by ClinVar (database versions not stated): gnomAD 0.00001; TOPMed 0.00001.
gnomAD v4.1: 4 of 1,614,224 alleles (0.00025%); highest among the groups gnomAD compares: Middle Eastern, 0.033%; no homozygotes.

Submission:

Labcorp Genetics (formerly Invitae), Labcorp
Classification: Uncertain significance for Primary ciliary dyskinesia. Last evaluated: 2022-06-19. Review status: criteria provided, single submitter. Criteria: Invitae Variant Classification Sherloc (09022015). Collection method: clinical testing. Allele origin: germline.
Comment: In summary, the available evidence is currently insufficient to determine the role of this variant in disease. Therefore, it has been classified as a Variant of Uncertain Significance. Algorithms developed to predict the effect of missense changes on protein structure and function are either unavailable or do not agree on the potential impact of this missense change (SIFT: "Tolerated"; PolyPhen-2: "Possibly Damaging"; Align-GVGD: "Class C0"). ClinVar contains an entry for this variant (Variation ID: 659697). This variant has not been reported in the literature in individuals affected with DRC1-related conditions. This variant is not present in population databases (gnomAD no frequency). This sequence change replaces glutamine, which is neutral and polar, with proline, which is neutral and non-polar, at codon 361 of the DRC1 protein (p.Gln361Pro).